The following is an entry in ClinVar:

NM_024675.4(PALB2):c.909_917delinsT (p.Leu303_Leu304insTer)

Gene: PALB2 (partner and localizer of BRCA2; minus strand). Cytogenetic location: 16p12.2.
Variant type: Indel.
Coding change: c.909_917delinsT on transcript NM_024675.4 (MANE Select); coding-DNA positions 909 to 917, CCTTGTAAA replaced by T.
Protein change: p.Leu303_Leu304insTer.
Molecular consequence: frameshift variant. On other transcripts: intron variant (3).
Genome position (GRCh38, 1-based): chr16:23,635,629-23,635,637, TTTACAAGG replaced by A on the plus strand (CCTTGTAAA replaced by T on the coding strand, the reverse complement: PALB2 is on the minus strand). VCF-style: chr16-23635629-TTTACAAGG-A. GRCh37 (hg19) VCF-style: chr16-23646950-TTTACAAGG-A.
Other names: c.849_857delinsT, p.Leu283_Leu284insTer (NM_001407296.1); c.909_917delinsT, p.Leu303_Leu304insTer (NM_001407297.1, NM_001407298.1, NM_001407299.1 and 3 more transcripts); c.24_32delinsT, p.Leu8_Leu9insTer (NM_001407304.1, NM_001407305.1, NM_001407306.1 and 5 more transcripts); c.48+5473_48+5481delinsT (NM_001407314.1); c.-104-5168_-104-5160delinsT (NM_001407313.1, NM_001407312.1).
Identifiers: ClinVar variation 2674051 (VCV002674051.1), dbSNP rs2506495630, ClinGen allele CA2695197528.

ClinVar aggregate classification (germline): Pathogenic (1 of 4 stars; one submission).

Conditions:
Familial cancer of breast. Also called: Hereditary breast cancer; BREAST CANCER, FAMILIAL; hereditary breast carcinoma. Identifiers: Orphanet 227535, MedGen C0346153, MONDO:0016419, OMIM 114480. Disease mechanism: loss of function.

Submission:

Myriad Genetics, Inc.
Classification: Pathogenic for Familial cancer of breast. Last evaluated: 2023-09-07. Review status: criteria provided, single submitter. Criteria: Myriad Autosomal Dominant, Autosomal Recessive and X-Linked Classification Criteria (2023). Collection method: clinical testing. Allele origin: unknown.
Comment: This variant is considered pathogenic. This variant creates a termination codon and is predicted to result in premature protein truncation.